The following is an entry in ClinVar:

ClinVar aggregate classification (germline): Likely benign (1 of 4 stars; one submission).

gnomAD v4.1: 163 of 1,585,564 alleles (0.01%); highest among the groups gnomAD compares: African/African-American, 0.086%; 11 homozygotes.

Submission:

CeGaT Center for Human Genetics Tuebingen
Classification: Likely benign. Last evaluated: 2022-09-01. Review status: criteria provided, single submitter. Criteria: CeGaT Center For Human Genetics Tuebingen Variant Classification Criteria Version 2. Collection method: clinical testing. Allele origin: germline. Affected: yes. Observed: 1 variant allele.
Comment: AHNAK2: BP4, BP7, BS2

NM_138420.4(AHNAK2):c.5496G>C (p.Ser1832=)

Gene: AHNAK2 (AHNAK nucleoprotein 2; minus strand). Cytogenetic location: 14q32.33.
Variant type: single nucleotide variant.
Coding change: c.5496G>C on transcript NM_138420.4 (MANE Select); coding-DNA position 5496, G replaced by C.
Protein change: p.Ser1832=; no amino-acid change (serine 1832 retained).
Molecular consequence: synonymous variant.
Genome position (GRCh38, 1-based): chr14:104,949,955, C>G on the plus strand (G>C on the coding strand, the complement: AHNAK2 is on the minus strand). VCF-style: chr14-104949955-C-G. GRCh37 (hg19) VCF-style: chr14-105416292-C-G.
Other names: c.5196G>C, p.Ser1732= (NM_001350929.2).
Identifiers: ClinVar variation 2644793 (VCV002644793.24), dbSNP rs11851045, ClinGen allele CA7381722.